The following is an entry in ClinVar:

NM_000474.4(TWIST1):c.308dup (p.Tyr103Ter)

Gene: TWIST1 (twist family bHLH transcription factor 1; minus strand). Cytogenetic location: 7p21.1.
Variant type: Duplication.
Coding change: c.308dup on transcript NM_000474.4 (MANE Select); coding-DNA position 308, one base duplicated (A; older notation c.308dupA).
Protein change: p.Tyr103Ter; replaces tyrosine 103 with a stop codon.
Molecular consequence: nonsense. On other transcripts: non-coding transcript variant (1).
Genome position (GRCh38, 1-based): chr7:19,117,014, T duplicated on the plus strand (A on the coding strand, the reverse complement: TWIST1 is on the minus strand). VCF-style (leftmost placement, unchanged base first): chr7-19117013-G-GT. GRCh37 (hg19) VCF-style: chr7-19156636-G-GT.
Other names: c.308dupA (NM_000474.3); short protein forms Y103*.
Identifiers: ClinVar variation 7973 (VCV000007973.6), dbSNP rs121909186, ClinGen allele CA254283.

ClinVar aggregate classification (germline): Pathogenic. Review status: criteria provided, multiple submitters, no conflicts (2 of 4 stars). 3 submissions from 3 submitters: Pathogenic (2). 1 of the submissions does not count toward it. Last evaluated 2024-11-22.

Conditions:
Inborn genetic diseases. Identifiers: MedGen C0950123, MeSH D030342.
TWIST1-related craniosynostosis (CRS1). Also called: CRANIOSYNOSTOSIS 1. Identifiers: Orphanet 63440, MedGen C4551902, MONDO:0007399, OMIM 123100. Inheritance: Heterogenous inheritance pattern.
Saethre-Chotzen syndrome (SCS). Also called: ACROCEPHALY, SKULL ASYMMETRY, AND MILD SYNDACTYLY; ACS III; CHOTZEN SYNDROME. Identifiers: Orphanet 794, MedGen C0175699, MONDO:0007042, OMIM 101400.

Submissions (3):

Ambry Genetics
Classification: Pathogenic for Inborn genetic diseases. Last evaluated: 2024-11-22. Review status: criteria provided, single submitter. Criteria: Ambry Variant Classification Scheme 2023. Collection method: clinical testing. Allele origin: germline.
Comment: The c.308dupA (p.Y103*) alteration, located in exon 1 (coding exon 1) of the TWIST1 gene, consists of a duplication of A at position 308. This changes the amino acid from a tyrosine (Y) to a stop codon at amino acid position 103. This alteration is expected to result in loss of function by premature protein truncation or nonsense-mediated mRNA decay. This variant was not reported in population-based cohorts in the Genome Aggregation Database (gnomAD). Based on the available evidence, this alteration is classified as pathogenic.

Labcorp Genetics (formerly Invitae), Labcorp
Classification: Pathogenic for TWIST1-related craniosynostosis; Saethre-Chotzen syndrome. Last evaluated: 2022-09-24. Review status: criteria provided, single submitter. Criteria: Invitae Variant Classification Sherloc (09022015). Collection method: clinical testing. Allele origin: germline.
Comment: This sequence change creates a premature translational stop signal (p.Tyr103*) in the TWIST1 gene. It is expected to result in an absent or disrupted protein product. Loss-of-function variants in TWIST1 are known to be pathogenic (PMID: 10749989). This variant is not present in population databases (gnomAD no frequency). This premature translational stop signal has been observed in individual(s) with Saethre-Chotzen syndrome (PMID: 8988166). ClinVar contains an entry for this variant (Variation ID: 7973). For these reasons, this variant has been classified as Pathogenic.

OMIM
Classification: Pathogenic for SAETHRE-CHOTZEN SYNDROME. Last evaluated: 1997-01-01. Review status: no assertion criteria provided. Collection method: literature only. Allele origin: germline. Not counted in ClinVar's aggregate classification.

Literature cited by the submitters: PubMed 10749989 (cited by Labcorp Genetics (formerly Invitae), Labcorp); PubMed 8988166 (cited by Labcorp Genetics (formerly Invitae), Labcorp and OMIM).